The following is an entry in ClinVar:

NC_000003.11:g.(?_97486952)_(97516893_?)del

Gene: ARL6 (ARF like GTPase 6; plus strand). Cytogenetic location: 3q11.2.
Variant type: Deletion.
Identifiers: ClinVar variation 1459992 (VCV001459992.5).

ClinVar aggregate classification (germline): Pathogenic (1 of 4 stars; one submission).

Conditions:
Bardet-Biedl syndrome 3 (BBS3). Identifiers: Orphanet 110, MedGen C1859564, MONDO:0010832, OMIM 600151.
Retinitis pigmentosa 55 (RP55). Identifiers: Orphanet 791, MedGen C3150808, MONDO:0013312, OMIM 613575.

Submission:

Labcorp Genetics (formerly Invitae), Labcorp
Classification: Pathogenic for Retinitis pigmentosa 55; Bardet-Biedl syndrome 3. Last evaluated: 2023-01-16. Review status: criteria provided, single submitter. Criteria: Invitae Variant Classification Sherloc (09022015). Collection method: clinical testing. Allele origin: germline.
Comment: For these reasons, this variant has been classified as Pathogenic. This variant has not been reported in the literature in individuals affected with ARL6-related conditions. A gross deletion of the genomic region encompassing the full coding sequence of the ARL6 gene has been identified. Loss-of-function variants in ARL6 are known to be pathogenic (PMID: 15258860, 19858128, 20142850, 22334370, 27486776, 31736247). The boundaries of this event are unknown as they extend beyond the assayed region for this gene and therefore may encompass additional genes.

Literature cited by the submitters: PubMed 15258860; PubMed 19858128; PubMed 20142850; PubMed 22334370; PubMed 27486776; PubMed 31736247.